The following is an entry in ClinVar:

NM_058216.3(RAD51C):c.6C>T (p.Arg2=)

Gene: RAD51C (RAD51 paralog C; plus strand). Cytogenetic location: 17q22.
Variant type: single nucleotide variant.
Coding change: c.6C>T on transcript NM_058216.3 (MANE Select); coding-DNA position 6, C replaced by T.
Protein change: p.Arg2=; no amino-acid change (arginine 2 retained).
Molecular consequence: synonymous variant. On other transcripts: non-coding transcript variant (2).
Genome position (GRCh38, 1-based): chr17:58,692,649, C>T. VCF-style: chr17-58692649-C-T. GRCh37 (hg19) VCF-style: chr17-56770010-C-T.
Other names: c.6C>T, p.Arg2= (NM_002876.4).
Identifiers: ClinVar variation 763787 (VCV000763787.14), dbSNP rs1334508786, ClinGen allele CA501074323.

ClinVar aggregate classification (germline): Benign/Likely benign. Review status: criteria provided, multiple submitters, no conflicts (2 of 4 stars). 3 submissions from 3 submitters: Benign (1); Likely benign (2). Last evaluated 2025-02-13.

Conditions:
Breast-ovarian cancer, familial, susceptibility to, 3. Also called: RAD51C-Related Breast/Ovarian Cancer. Identifiers: Orphanet 145, MedGen C3150659, MONDO:0013253, OMIM 613399.
Fanconi anemia complementation group O. Also called: RAD51C-Related Fanconi Anemia. Identifiers: Orphanet 84, MedGen C3150653, MONDO:0013248, OMIM 613390.
Hereditary cancer-predisposing syndrome. Also called: Tumor predisposition; Hereditary Cancer Syndrome; Neoplastic Syndromes, Hereditary; Hereditary neoplastic syndrome. Identifiers: Orphanet 140162, MedGen C0027672, MeSH D009386, MONDO:0015356.

Allele frequency attached by ClinVar (database versions not stated): gnomAD exomes below 0.00001; gnomAD 0.00001.

Submissions (3):

Myriad Genetics, Inc.
Classification: Benign for Breast-ovarian cancer, familial, susceptibility to, 3. Last evaluated: 2025-02-13. Review status: criteria provided, single submitter. Criteria: Myriad Autosomal Dominant, Autosomal Recessive and X-Linked Classification Criteria (2023). Collection method: clinical testing. Allele origin: unknown.
Comment: This variant is considered benign. This variant is a silent/synonymous amino acid change and it is not expected to impact splicing.

Labcorp Genetics (formerly Invitae), Labcorp
Classification: Likely benign for Fanconi anemia complementation group O. Last evaluated: 2023-12-08. Review status: criteria provided, single submitter. Criteria: Invitae Variant Classification Sherloc (09022015). Collection method: clinical testing. Allele origin: germline.

Ambry Genetics
Classification: Likely benign for Hereditary cancer-predisposing syndrome. Last evaluated: 2015-11-19. Review status: criteria provided, single submitter. Criteria: Ambry Variant Classification Scheme 2023. Collection method: clinical testing. Allele origin: germline.